The following is an entry in ClinVar:

ClinVar aggregate classification (germline): Likely benign (0 of 4 stars; one submission).

Conditions:
GLS-related disorder. Also called: GLS-related condition.

gnomAD v4.1: 26 of 1,249,870 alleles (0.0021%); highest among the groups gnomAD compares: South Asian, 0.084%; no homozygotes.

Submission:

PreventionGenetics, part of Exact Sciences
Classification: Likely benign for GLS-related condition. Last evaluated: 2024-08-14. Review status: no assertion criteria provided. Collection method: clinical testing. Allele origin: germline.
Comment: This variant is classified as likely benign based on ACMG/AMP sequence variant interpretation guidelines (Richards et al. 2015 PMID: 25741868, with internal and published modifications).

NM_014905.5(GLS):c.153C>T (p.Ala51=)

Genes: GLS (glutaminase; plus strand), LOC129935269 (ATAC-STARR-seq lymphoblastoid silent region 12187; plus strand). Cytogenetic location: 2q32.2.
Variant type: single nucleotide variant.
Coding change: c.153C>T on transcript NM_014905.5 (MANE Select); coding-DNA position 153, C replaced by T.
Protein change: p.Ala51=; no amino-acid change (alanine 51 retained).
Molecular consequence: synonymous variant.
Genome position (GRCh38, 1-based): chr2:190,881,237, C>T. VCF-style: chr2-190881237-C-T. GRCh37 (hg19) VCF-style: chr2-191745963-C-T.
Other names: c.153C>T, p.Ala51= (NM_001256310.2).
Identifiers: ClinVar variation 3358293 (VCV003358293.1).